The following is an entry in ClinVar:

NM_152328.5(ADSS1):c.880G>A (p.Val294Met)

Gene: ADSS1 (adenylosuccinate synthase 1; plus strand). Cytogenetic location: 14q32.33.
Variant type: single nucleotide variant.
Coding change: c.880G>A on transcript NM_152328.5 (MANE Select); coding-DNA position 880, G replaced by A.
Protein change: p.Val294Met; replaces valine 294 with methionine.
Molecular consequence: missense variant.
Genome position (GRCh38, 1-based): chr14:104,741,934, G>A. VCF-style: chr14-104741934-G-A. GRCh37 (hg19) VCF-style: chr14-105208271-G-A.
Other names: c.1009G>A (NM_199165.1); c.265G>A, p.Val89Met (NM_001320424.1); c.1009G>A, p.Val337Met (NM_199165.2); short protein forms V294M, V337M, V89M.
Identifiers: ClinVar variation 1681979 (VCV001681979.6), dbSNP rs781702955, ClinGen allele CA7373910.
Genomic context (GRCh38, chr14:104,741,934, plus strand): 5'-AACTGCACCGTGGGCGGTGTGTGCACGGGCCTGGGCATCCCCCCGCAGAACATAGGTGAC[G>A]TGTATGGCGTGGTGAAAGCCTATACCACACGTGTGGGCATCGGGGCCTTCCCCACCGAGC-3'
Protein context (NP_689541.1, residues 284-304): LGIPPQNIGD[Val294Met]YGVVKAYTTR

ClinVar aggregate classification (germline): Uncertain significance. Review status: criteria provided, multiple submitters, no conflicts (2 of 4 stars). 2 submissions from 2 submitters: Uncertain significance (2). Last evaluated 2022-03-18.

Conditions:
Myopathy, distal, 5 (MPD5). Also called: Adenylosuccinate synthetase-like 1-related distal myopathy. Identifiers: Orphanet 482601, MedGen C5567521, MONDO:0014877, OMIM 617030.

Allele frequency attached by ClinVar (database versions not stated): gnomAD 0.00003; ExAC 0.00005.
gnomAD v4.1: 126 of 1,613,376 alleles (0.0078%); highest among the groups gnomAD compares: Non-Finnish European, 0.01%; no homozygotes.

Submissions (2):

Labcorp Genetics (formerly Invitae), Labcorp
Classification: Uncertain significance. Last evaluated: 2022-03-18. Review status: criteria provided, single submitter. Criteria: Invitae Variant Classification Sherloc (09022015). Collection method: clinical testing. Allele origin: germline.
Comment: This sequence change replaces valine with methionine at codon 337 of the ADSSL1 protein (p.Val337Met). There is a small physicochemical difference between valine and methionine. This variant is present in population databases (rs781702955, gnomAD 0.006%). This variant has not been reported in the literature in individuals affected with ADSSL1-related conditions. Algorithms developed to predict the effect of missense changes on protein structure and function are either unavailable or do not agree on the potential impact of this missense change (SIFT: "Not Available"; PolyPhen-2: "Probably Damaging"; Align-GVGD: "Not Available"). In summary, the available evidence is currently insufficient to determine the role of this variant in disease. Therefore, it has been classified as a Variant of Uncertain Significance.

Revvity Omics, Revvity
Classification: Uncertain significance for Myopathy, distal, 5. Last evaluated: 2020-02-20. Review status: criteria provided, single submitter. Criteria: ACMG Guidelines, 2015. Collection method: clinical testing. Allele origin: germline.